The following is an entry in ClinVar:

ClinVar aggregate classification (germline): Uncertain significance. Review status: criteria provided, multiple submitters, no conflicts (2 of 4 stars). 2 submissions from 2 submitters: Uncertain significance (2). Last evaluated 2025-09-07.

Conditions:
RASopathy. Also called: Noonan spectrum disorder; rasopathies. Identifiers: Orphanet 536391, MedGen C5555857, MONDO:0021060.

Allele frequency attached by ClinVar (database versions not stated): gnomAD exomes below 0.00001; gnomAD 0.00001; TOPMed 0.00001.
gnomAD v4.1: 4 of 1,611,990 alleles (0.00025%); highest among the groups gnomAD compares: Non-Finnish European, 0.00034%; no homozygotes.

Submissions (2):

Labcorp Genetics (formerly Invitae), Labcorp
Classification: Uncertain significance for RASopathy. Last evaluated: 2025-09-07. Review status: criteria provided, single submitter. Criteria: Invitae Variant Classification Sherloc (09022015). Collection method: clinical testing. Allele origin: germline.
Comment: This sequence change replaces isoleucine, which is neutral and non-polar, with valine, which is neutral and non-polar, at codon 61 of the BRAF protein (p.Ile61Val). This variant is not present in population databases (gnomAD no frequency). This variant has not been reported in the literature in individuals affected with BRAF-related conditions. ClinVar contains an entry for this variant (Variation ID: 834419). Invitae Evidence Modeling of protein sequence and biophysical properties (such as structural, functional, and spatial information, amino acid conservation, physicochemical variation, residue mobility, and thermodynamic stability) indicates that this missense variant is expected to disrupt BRAF protein function with a positive predictive value of 95%. In summary, the available evidence is currently insufficient to determine the role of this variant in disease. Therefore, it has been classified as a Variant of Uncertain Significance.

Blueprint Genetics
Classification: Uncertain significance. Last evaluated: 2023-11-13. Review status: criteria provided, single submitter. Criteria: ACMG Guidelines, 2015. Collection method: clinical testing. Allele origin: germline.

NC_000007.14:g.140850170T>C

Gene: BRAF (B-Raf proto-oncogene, serine/threonine kinase; minus strand). Cytogenetic location: 7q34.
Variant type: single nucleotide variant.
Molecular consequence: missense variant (on NM_004333.6). On other transcripts: intron variant (1).
Genome position: GRCh38 VCF-style: chr7-140850170-T-C. GRCh37 (hg19) VCF-style: chr7-140549970-T-C.
Other names: c.181A>G, p.Ile61Val (NM_001354609.2, NM_001374244.1, NM_001374258.1 and 7 more transcripts); c.25A>G, p.Ile9Val (NM_001378472.1, NM_001378473.1); c.139-15298A>G (NM_001378470.1); short protein forms I61V, I9V.
Identifiers: ClinVar variation 834419 (VCV000834419.10), dbSNP rs1265063696, ClinGen allele CA369587919.